The following is an entry in ClinVar:

NM_000875.5(IGF1R):c.3733A>C (p.Met1245Leu)

Gene: IGF1R (insulin like growth factor 1 receptor; plus strand). Cytogenetic location: 15q26.3.
Variant type: single nucleotide variant.
Coding change: c.3733A>C on transcript NM_000875.5 (MANE Select); coding-DNA position 3733, A replaced by C.
Protein change: p.Met1245Leu; replaces methionine 1245 with leucine.
Molecular consequence: missense variant.
Genome position (GRCh38, 1-based): chr15:98,957,071, A>C. VCF-style: chr15-98957071-A-C. GRCh37 (hg19) VCF-style: chr15-99500300-A-C.
Other names: c.3730A>C, p.Met1244Leu (NM_001291858.2); short protein forms M1244L, M1245L.
Identifiers: ClinVar variation 3027035 (VCV003027035.23), dbSNP rs2017020177, ClinGen allele CA393667550.

ClinVar aggregate classification (germline): Uncertain significance. Review status: criteria provided, multiple submitters, no conflicts (2 of 4 stars). 2 submissions from 2 submitters: Uncertain significance (2). Last evaluated 2024-01-01.

Allele frequency attached by ClinVar (database versions not stated): TOPMed below 0.00001.

Submissions (2):

CeGaT Center for Human Genetics Tuebingen
Classification: Uncertain significance. Last evaluated: 2024-01-01. Review status: criteria provided, single submitter. Criteria: CeGaT Center For Human Genetics Tuebingen Variant Classification Criteria Version 2. Collection method: clinical testing. Allele origin: germline. Affected: yes. Observed: 1 variant allele.
Comment: IGF1R: PM2, PP3

Blueprint Genetics
Classification: Uncertain significance. Last evaluated: 2021-12-03. Review status: criteria provided, single submitter. Criteria: ACMG Guidelines, 2015. Collection method: clinical testing. Allele origin: germline.